The following is an entry in ClinVar:

ClinVar aggregate classification (germline): Likely benign (1 of 4 stars; one submission).

gnomAD v4.1: 5 of 1,593,612 alleles (0.00031%); highest among the groups gnomAD compares: Admixed American, 0.0085%; no homozygotes.

Submission:

CeGaT Center for Human Genetics Tuebingen
Classification: Likely benign. Last evaluated: 2026-04-01. Review status: criteria provided, single submitter. Criteria: CeGaT Center For Human Genetics Tuebingen Variant Classification Criteria Version 2. Collection method: clinical testing. Allele origin: germline. Affected: yes. Observed: 1 variant allele.
Comment: BRD4: BP4, BS2

NM_001379291.1(BRD4):c.3163T>G (p.Ser1055Ala)

Gene: BRD4 (bromodomain containing 4; minus strand). Cytogenetic location: 19p13.12.
Variant type: single nucleotide variant.
Coding change: c.3163T>G on transcript NM_001379291.1 (MANE Select); coding-DNA position 3163, T replaced by G.
Protein change: p.Ser1055Ala; replaces serine 1055 with alanine.
Molecular consequence: missense variant.
Genome position (GRCh38, 1-based): chr19:15,242,906, A>C on the plus strand (T>G on the coding strand, the complement: BRD4 is on the minus strand). VCF-style: chr19-15242906-A-C. GRCh37 (hg19) VCF-style: chr19-15353717-A-C.
Other names: c.3163T>G, p.Ser1055Ala (NM_058243.3); short protein forms S1055A.
Identifiers: ClinVar variation 4874756 (VCV004874756.2).